The following is an entry in ClinVar:

NM_003011.4(SET):c.664-4T>A

Gene: SET (SET nuclear proto-oncogene; plus strand). Cytogenetic location: 9q34.11.
Variant type: single nucleotide variant.
Coding change: c.664-4T>A on transcript NM_003011.4 (MANE Select); 4 bases into the intron before coding-DNA position 664, T replaced by A.
Molecular consequence: intron variant.
Genome position (GRCh38, 1-based): chr9:128,693,892, T>A. VCF-style: chr9-128693892-T-A. GRCh37 (hg19) VCF-style: chr9-131456171-T-A.
Other names: c.703-4T>A (NM_001374326.1, NM_001122821.2); c.637-4T>A (NM_001248000.2); c.631-4T>A (NM_001248001.2).
Identifiers: ClinVar variation 3250925 (VCV003250925.18), dbSNP rs1183765585.

ClinVar aggregate classification (germline): Likely benign (1 of 4 stars; one submission).

Allele frequency attached by ClinVar (database versions not stated): gnomAD 0.00001; TOPMed 0.00002; gnomAD exomes 0.00004.
gnomAD v4.1: 53 of 1,579,368 alleles (0.0034%); highest among the groups gnomAD compares: Non-Finnish European, 0.0043%; no homozygotes.

Submission:

CeGaT Center for Human Genetics Tuebingen
Classification: Likely benign. Last evaluated: 2024-06-01. Review status: criteria provided, single submitter. Criteria: CeGaT Center For Human Genetics Tuebingen Variant Classification Criteria Version 2. Collection method: clinical testing. Allele origin: germline. Affected: yes. Observed: 1 variant allele.
Comment: SET: BP4